The following is an entry in ClinVar:

NM_001430.5(EPAS1):c.1897G>T (p.Gly633Cys)

Gene: EPAS1 (endothelial PAS domain protein 1; plus strand). Cytogenetic location: 2p21.
Variant type: single nucleotide variant.
Coding change: c.1897G>T on transcript NM_001430.5 (MANE Select); coding-DNA position 1897, G replaced by T.
Protein change: p.Gly633Cys; replaces glycine 633 with cysteine.
Molecular consequence: missense variant.
Genome position (GRCh38, 1-based): chr2:46,380,569, G>T. VCF-style: chr2-46380569-G-T. GRCh37 (hg19) VCF-style: chr2-46607708-G-T.
Other names: short protein forms G633C.
Identifiers: ClinVar variation 1782186 (VCV001782186.2), dbSNP rs1376232475, ClinGen allele CA346705105.

ClinVar aggregate classification (germline): Uncertain significance (1 of 4 stars; one submission).

Conditions:
Inborn genetic diseases. Identifiers: MedGen C0950123, MeSH D030342.

Allele frequency attached by ClinVar (database versions not stated): TOPMed below 0.00001.
gnomAD v4.1: 2 of 1,614,052 alleles (0.00012%); highest among the groups gnomAD compares: Non-Finnish European, 0.00017%; no homozygotes.

Submission:

Ambry Genetics
Classification: Uncertain significance for Inborn genetic diseases. Last evaluated: 2022-02-26. Review status: criteria provided, single submitter. Criteria: Ambry Variant Classification Scheme 2023. Collection method: clinical testing. Allele origin: germline.
Comment: The p.G633C variant (also known as c.1897G>T), located in coding exon 12 of the EPAS1 gene, results from a G to T substitution at nucleotide position 1897. The glycine at codon 633 is replaced by cysteine, an amino acid with highly dissimilar properties. This amino acid position is conserved. In addition, this alteration is predicted to be deleterious by in silico analysis. Since supporting evidence is limited at this time, the clinical significance of this alteration remains unclear.